The following is an entry in ClinVar:

NM_017780.4(CHD7):c.5275A>C (p.Lys1759Gln)

Gene: CHD7 (chromodomain helicase DNA binding protein 7; plus strand). Cytogenetic location: 8q12.2.
Variant type: single nucleotide variant.
Coding change: c.5275A>C on transcript NM_017780.4 (MANE Select); coding-DNA position 5275, A replaced by C.
Protein change: p.Lys1759Gln; replaces lysine 1759 with glutamine.
Molecular consequence: missense variant. On other transcripts: intron variant (1).
Genome position (GRCh38, 1-based): chr8:60,848,579, A>C. VCF-style: chr8-60848579-A-C. GRCh37 (hg19) VCF-style: chr8-61761138-A-C.
Other names: c.5275A>C (NM_017780.3); c.1717-13650A>C (NM_001316690.1); short protein forms K1759Q.
Identifiers: ClinVar variation 498284 (VCV000498284.15), dbSNP rs371988345, ClinGen allele CA4760315.
Genomic context (GRCh38, chr8:60,848,579, plus strand): 5'-CTGCTGCGTGTCCGCATGCTGTACTACCTAAGACAAGAAGTGATAGGAGACCAGGCGGAT[A>C]AGATCTTAGAGGGTGCTGACTCAAGGTTAGTGCGAGCTCACATTTGTTCTCAACCTCAGT-3'
Protein context (NP_060250.2, residues 1749-1769): RQEVIGDQAD[Lys1759Gln]ILEGADSSEA

ClinVar aggregate classification (germline): Conflicting classifications of pathogenicity. Review status: criteria provided, conflicting classifications (1 of 4 stars). 5 submissions from 5 submitters: Uncertain significance (2); Benign (1); Likely benign (2). Last evaluated 2025-08-11.

Conditions:
CHARGE syndrome (CHARGE). Also called: Hittner Hirsch Kreh syndrome; Coloboma, heart anomaly, choanal atresia, retardation, genital and ear anomalies; CHARGE association; Hall-Hittner syndrome; CHARGE ASSOCIATION--COLOBOMA, HEART ANOMALY, CHOANAL ATRESIA, RETARDATION, GENITAL AND EAR ANOMALIES. Identifiers: Orphanet 138, MedGen C0265354, MONDO:0008965.
Inborn genetic diseases. Identifiers: MedGen C0950123, MeSH D030342.

Allele frequency attached by ClinVar (database versions not stated): gnomAD exomes 0.00003; TOPMed 0.00004; ExAC 0.00005; gnomAD 0.00005 and 0.00006; ESP Exome Variant Server 0.00016.
gnomAD v4.1: 27 of 1,613,428 alleles (0.0017%); highest among the groups gnomAD compares: African/African-American, 0.013%; no homozygotes.

Submissions (5):

Labcorp Genetics (formerly Invitae), Labcorp
Classification: Benign for CHARGE syndrome. Last evaluated: 2025-08-11. Review status: criteria provided, single submitter. Criteria: Invitae Variant Classification Sherloc (09022015). Collection method: clinical testing. Allele origin: germline.

Ambry Genetics
Classification: Likely benign for Inborn genetic diseases. Last evaluated: 2024-06-12. Review status: criteria provided, single submitter. Criteria: Ambry Variant Classification Scheme 2023. Collection method: clinical testing. Allele origin: germline.

GeneDx
Classification: Likely benign. Last evaluated: 2019-06-26. Review status: criteria provided, single submitter. Criteria: GeneDx Variant Classification Process June 2021. Collection method: clinical testing. Allele origin: germline. Affected: yes.
Comment: In silico analysis, which includes protein predictors and evolutionary conservation, supports that this variant does not alter protein structure/function; Has not been previously published as pathogenic or benign to our knowledge

Blueprint Genetics
Classification: Uncertain significance. Last evaluated: 2019-06-22. Review status: criteria provided, single submitter. Criteria: ACMG Guidelines, 2015. Collection method: clinical testing. Allele origin: germline.

Eurofins Ntd Llc (ga)
Classification: Uncertain significance. Last evaluated: 2016-12-05. Review status: criteria provided, single submitter. Criteria: EGL Classification Definitions 2015. Collection method: clinical testing. Allele origin: germline. Observed: 1 variant allele, 1 heterozygote.